The following is an entry in ClinVar:

ClinVar aggregate classification (germline): Uncertain significance (1 of 4 stars; one submission).

Conditions:
Bethlem myopathy 1A. Also called: Bethlem Muscular Dystrophy; MYOPATHY, BENIGN CONGENITAL, WITH CONTRACTURES; Bethlem myopathy 1. Identifiers: Orphanet 610, MedGen CN029274, MONDO:0024530, OMIM 158810.

Allele frequency attached by ClinVar (database versions not stated): gnomAD exomes below 0.00001.
gnomAD v4.1: 1 of 1,614,232 alleles (0.000062%); highest among the groups gnomAD compares: African/African-American, 0.0013%; no homozygotes.

Submission:

Labcorp Genetics (formerly Invitae), Labcorp
Classification: Uncertain significance for Bethlem myopathy 1A. Last evaluated: 2019-07-05. Review status: criteria provided, single submitter. Criteria: Invitae Variant Classification Sherloc (09022015). Collection method: clinical testing. Allele origin: germline.
Comment: This sequence change replaces isoleucine with valine at codon 1455 of the COL6A3 protein (p.Ile1455Val). The isoleucine residue is moderately conserved and there is a small physicochemical difference between isoleucine and valine. This variant is not present in population databases (ExAC no frequency). This variant has not been reported in the literature in individuals with COL6A3-related conditions. Algorithms developed to predict the effect of missense changes on protein structure and function are either unavailable or do not agree on the potential impact of this missense change (SIFT: "Tolerated"; PolyPhen-2: "Probably Damaging"; Align-GVGD: "Class C0"). In summary, the available evidence is currently insufficient to determine the role of this variant in disease. Therefore, it has been classified as a Variant of Uncertain Significance.

NM_004369.4(COL6A3):c.4363A>G (p.Ile1455Val)

Gene: COL6A3 (collagen type VI alpha 3 chain; minus strand). Cytogenetic location: 2q37.3.
Variant type: single nucleotide variant.
Coding change: c.4363A>G on transcript NM_004369.4 (MANE Select); coding-DNA position 4363, A replaced by G.
Protein change: p.Ile1455Val; replaces isoleucine 1455 with valine.
Molecular consequence: missense variant.
Genome position (GRCh38, 1-based): chr2:237,369,100, T>C on the plus strand (A>G on the coding strand, the complement: COL6A3 is on the minus strand). VCF-style: chr2-237369100-T-C. GRCh37 (hg19) VCF-style: chr2-238277743-T-C.
Other names: c.2542A>G, p.Ile848Val (NM_057166.5); c.3745A>G, p.Ile1249Val (NM_057167.4); short protein forms I848V, I1455V, I1249V.
Identifiers: ClinVar variation 944209 (VCV000944209.10), dbSNP rs2077624929, ClinGen allele CA351193576.
Genomic context (GRCh38, chr2:237,369,100, plus strand): 5'-CTCTCACTTTACTGGGGCCGATGTTGAGTCTTCGAACAATCCTGCTAACAAAATCTCGAA[T>C]ATGTGCAAAGCCATCTGGCCTAACTCCCTCAGAGCTGTCGATCAGAAAGACAATGTCTGC-3'
Protein context (NP_004360.2, residues 1445-1465): EGVRPDGFAH[Ile1455Val]RDFVSRIVRR